The following is an entry in ClinVar:

ClinVar aggregate classification (germline): Benign. Review status: criteria provided, multiple submitters, no conflicts (2 of 4 stars). 8 submissions from 7 submitters: Benign (7). 1 of the submissions does not count toward it. Last evaluated 2026-02-04.

Conditions:
Hydrops-lactic acidosis-sideroblastic anemia-multisystemic failure syndrome. Also called: Hydrops, lactic acidosis, and sideroblastic anemia. Identifiers: Orphanet 528091, MedGen C4310761, MONDO:0014869, OMIM 617021.
Perrault syndrome 4 (PRLTS4). Identifiers: Orphanet 2855, MedGen C3809105, MONDO:0014126, OMIM 615300.

Allele frequency attached by ClinVar (database versions not stated): TOPMed 0.27372; 1000 Genomes Project 30x 0.24594; 1000 Genomes Project 0.24621; gnomAD 0.26851 and 0.27037; gnomAD exomes 0.27956 and 0.29889; ESP Exome Variant Server 0.28372; ExAC 0.28568.
gnomAD v4.1: 478,031 of 1,613,508 alleles (30%); highest among the groups gnomAD compares: Middle Eastern, 41%; 72,801 homozygotes.

Submissions (8):

Labcorp Genetics (formerly Invitae), Labcorp
Classification: Benign. Last evaluated: 2026-02-04. Review status: criteria provided, single submitter. Criteria: Invitae Variant Classification Sherloc (09022015). Collection method: clinical testing. Allele origin: germline.

Genome-Nilou Lab
Classification: Benign for Hydrops-lactic acidosis-sideroblastic anemia-multisystemic failure syndrome. Last evaluated: 2021-08-19. Review status: criteria provided, single submitter. Criteria: ACMG Guidelines, 2015. Collection method: clinical testing. Allele origin: germline. Affected: no.

Genome-Nilou Lab
Classification: Benign for Perrault syndrome 4. Last evaluated: 2021-08-19. Review status: criteria provided, single submitter. Criteria: ACMG Guidelines, 2015. Collection method: clinical testing. Allele origin: germline. Affected: no.

GeneDx
Classification: Benign. Last evaluated: 2015-12-02. Review status: criteria provided, single submitter. Criteria: GeneDx Variant Classification (06012015). Collection method: clinical testing. Allele origin: germline. Affected: yes.
Comment: This variant is considered likely benign or benign based on one or more of the following criteria: it is a conservative change, it occurs at a poorly conserved position in the protein, it is predicted to be benign by multiple in silico algorithms, and/or has population frequency not consistent with disease.

Laboratory for Molecular Medicine, Mass General Brigham Personalized Medicine
Classification: Benign. Last evaluated: 2014-11-24. Review status: criteria provided, single submitter. Criteria: LMM Criteria. Collection method: clinical testing. Allele origin: germline. Observed: 508 variant alleles.
Comment: Thr661Thr in exon 17 of LARS2: This variant is not expected to have clinical sig nificance because it does not alter an amino acid residue and is not located wit hin the splice consensus sequence. It has been identified in 31.8% (2733/8600) o f European American chromosomes from a broad population by the NHLBI Exome Seque ncing Project (dbSNP rs11549809).

Breakthrough Genomics
Classification: Benign. Review status: criteria provided, single submitter. Criteria: ACMG Guidelines, 2015. Collection method: not provided. Allele origin: germline. Inheritance: Autosomal recessive inheritance. Affected: yes.

PreventionGenetics, part of Exact Sciences
Classification: Benign. Review status: criteria provided, single submitter. Criteria: ACMG Guidelines, 2015. Collection method: clinical testing. Allele origin: germline.

Mayo Clinic Laboratories, Mayo Clinic
Classification: Benign. Last evaluated: 2016-02-23. Review status: no assertion criteria provided. Collection method: clinical testing. Allele origin: unknown. Not counted in ClinVar's aggregate classification.

NM_015340.4(LARS2):c.1983G>A (p.Thr661=)

Gene: LARS2 (leucyl-tRNA synthetase 2, mitochondrial; plus strand). Cytogenetic location: 3p21.31.
Variant type: single nucleotide variant.
Coding change: c.1983G>A on transcript NM_015340.4 (MANE Select); coding-DNA position 1983, G replaced by A.
Protein change: p.Thr661=; no amino-acid change (threonine 661 retained).
Molecular consequence: synonymous variant.
Genome position (GRCh38, 1-based): chr3:45,516,215, G>A. VCF-style: chr3-45516215-G-A. GRCh37 (hg19) VCF-style: chr3-45557707-G-A.
Other names: c.1983G>A, p.Thr661= (NM_001368263.1).
Identifiers: ClinVar variation 226698 (VCV000226698.18), dbSNP rs11549809, ClinGen allele CA2349738.